The following is an entry in ClinVar:

ClinVar aggregate classification (germline): Likely pathogenic (1 of 4 stars; one submission).

Conditions:
Neurofibromatosis, type 2 (SWNV). Also called: BILATERAL ACOUSTIC NEUROFIBROMATOSIS; NF2-Related Schwannomatosis; SCHWANNOMATOSIS, VESTIBULAR. Identifiers: Orphanet 637, MedGen C0027832, MONDO:0007039, OMIM 101000. Disease mechanism: loss of function.

Submission:

Institute for Genomic Medicine (IGM) Clinical Laboratory, Nationwide Children's Hospital
Classification: Likely pathogenic for Neurofibromatosis, type 2. Last evaluated: 2023-11-09. Review status: criteria provided, single submitter. Criteria: ACMG Guidelines, 2015. Collection method: clinical testing. Allele origin: germline.
Comment: This variant is predicted to result in loss of function through nonsense-mediated decay of the encoded transcript or premature truncation of the encoded protein in a gene in which loss of function is a known mechanism of disease (ACMG/AMP: PVS1; PMIDs:9643284, 16983642). This variant is absent from or present at an exceedingly low frequency in gnomAD, a large-scale control population database (ACMG/AMP: PM2).

Literature cited by the submitters: PubMed 9643284; PubMed 16983642.

NM_000268.4(NF2):c.294del (p.Lys99fs)

Gene: NF2 (NF2, moesin-ezrin-radixin like (MERLIN) tumor suppressor; plus strand). Cytogenetic location: 22q12.2.
Variant type: Deletion.
Coding change: c.294del on transcript NM_000268.4 (MANE Select); coding-DNA position 294, one base deleted (C; older notation c.294delC).
Protein change: p.Lys99fs; shifts the reading frame from lysine 99.
Molecular consequence: frameshift variant. On other transcripts: 5 prime UTR variant (1), intron variant (8).
Genome position (GRCh38, 1-based): chr22:29,639,143, C deleted; the last of 2 consecutive C bases (chr22:29,639,142-29,639,143); deleting either gives the same sequence. VCF-style (leftmost placement, unchanged base first): chr22-29639141-GC-G. GRCh37 (hg19) VCF-style: chr22-30035130-GC-G.
Other names: c.180del, p.Lys61fs (NM_001407053.1, NM_001407056.1); c.168del, p.Lys57fs (NM_001407055.1, NM_181828.3); c.294del, p.Lys99fs (NM_001407057.1, NM_001407059.1, NM_001407060.1 and 5 more transcripts); c.-347del (NM_001407065.1); c.63del, p.Lys22fs (NM_001407067.1); c.240+2267del (NM_001407058.1, NM_181829.3, NM_001407054.1 and 1 more transcripts); c.115-3059del (NM_001407063.1, NM_181830.3, NM_001407064.1 and 1 more transcripts); short protein forms K22fs, K57fs, K61fs, K99fs.
Identifiers: ClinVar variation 4759303 (VCV004759303.1).
Genomic context (GRCh38, chr22:29,639,141, plus strand): 5'-ATTCTGCAGGTACTGGATCATGATGTTTCAAAGGAAGAACCAGTCACCTTTCACTTCTTG[GC>G]CAAATTTTATCCTGAGAATGCTGAAGAGGAGCTGGTTCAGGAGATCACACAACATTTATT-3'